The following is an entry in ClinVar:

ClinVar aggregate classification (germline): Uncertain significance (1 of 4 stars; one submission).

Submission:

Labcorp Genetics (formerly Invitae), Labcorp
Classification: Uncertain significance. Last evaluated: 2022-11-03. Review status: criteria provided, single submitter. Criteria: Invitae Variant Classification Sherloc (09022015). Collection method: clinical testing. Allele origin: germline.
Comment: This variant is not present in population databases (gnomAD no frequency). In summary, the available evidence is currently insufficient to determine the role of this variant in disease. Therefore, it has been classified as a Variant of Uncertain Significance. Advanced modeling of protein sequence and biophysical properties (such as structural, functional, and spatial information, amino acid conservation, physicochemical variation, residue mobility, and thermodynamic stability) performed at Invitae indicates that this missense variant is not expected to disrupt HPS3 protein function. This variant has not been reported in the literature in individuals affected with HPS3-related conditions. This sequence change replaces isoleucine, which is neutral and non-polar, with valine, which is neutral and non-polar, at codon 807 of the HPS3 protein (p.Ile807Val).

NM_032383.5(HPS3):c.2419A>G (p.Ile807Val)

Genes: CP (ceruloplasmin; minus strand), HPS3 (HPS3 biogenesis of lysosomal organelles complex 2 subunit 1; plus strand). Cytogenetic location: 3q24.
Variant type: single nucleotide variant.
Coding change: c.2419A>G on transcript NM_032383.5 (MANE Select); coding-DNA position 2419, A replaced by G.
Protein change: p.Ile807Val; replaces isoleucine 807 with valine.
Molecular consequence: missense variant. On other transcripts: non-coding transcript variant (1).
Genome position (GRCh38, 1-based): chr3:149,162,816, A>G. VCF-style: chr3-149162816-A-G. GRCh37 (hg19) VCF-style: chr3-148880603-A-G.
Other names: c.1924A>G, p.Ile642Val (NM_001308258.2); short protein forms I807V, I642V.
Identifiers: ClinVar variation 2129295 (VCV002129295.4), dbSNP rs751525171, ClinGen allele CA354924523.